The following is an entry in ClinVar:

ClinVar aggregate classification (germline): Uncertain significance (1 of 4 stars; one submission).

Conditions:
Inborn genetic diseases. Identifiers: MedGen C0950123, MeSH D030342.

gnomAD v4.1: 3 of 1,613,918 alleles (0.00019%); highest among the groups gnomAD compares: East Asian, 0.0022%; no homozygotes.

Submission:

Ambry Genetics
Classification: Uncertain significance for Inborn genetic diseases. Last evaluated: 2022-06-13. Review status: criteria provided, single submitter. Criteria: Ambry Variant Classification Scheme 2023. Collection method: clinical testing. Allele origin: germline.
Comment: The p.A865S variant (also known as c.2593G>T), located in coding exon 16 of the EPAS1 gene, results from a G to T substitution at nucleotide position 2593. The alanine at codon 865 is replaced by serine, an amino acid with similar properties. This amino acid position is conserved. In addition, the in silico prediction for this alteration is inconclusive. Since supporting evidence is limited at this time, the clinical significance of this alteration remains unclear.

NM_001430.5(EPAS1):c.2593G>T (p.Ala865Ser)

Gene: EPAS1 (endothelial PAS domain protein 1; plus strand). Cytogenetic location: 2p21.
Variant type: single nucleotide variant.
Coding change: c.2593G>T on transcript NM_001430.5 (MANE Select); coding-DNA position 2593, G replaced by T.
Protein change: p.Ala865Ser; replaces alanine 865 with serine.
Molecular consequence: missense variant.
Genome position (GRCh38, 1-based): chr2:46,384,640, G>T. VCF-style: chr2-46384640-G-T. GRCh37 (hg19) VCF-style: chr2-46611779-G-T.
Other names: short protein forms A865S.
Identifiers: ClinVar variation 1793551 (VCV001793551.2), dbSNP rs1260590441, ClinGen allele CA346707195.
Genomic context (GRCh38, chr2:46,384,640, plus strand): 5'-GAGGTGAACGTGCCCGTGCTGGGAAGCTCCACGCTCCTGCAAGGAGGGGACCTCCTCAGA[G>T]CCCTGGACCAGGCCACCTGAGCCAGGCCTTCTACCTGGGCAGCACCTCTGCCGACGCCGT-3'
Protein context (NP_001421.2, residues 855-870): TLLQGGDLLR[Ala865Ser]LDQAT